The following is an entry in ClinVar:

NM_006031.6(PCNT):c.2747C>A (p.Thr916Lys)

Gene: PCNT (pericentrin; plus strand). Cytogenetic location: 21q22.3.
Variant type: single nucleotide variant.
Coding change: c.2747C>A on transcript NM_006031.6 (MANE Select); coding-DNA position 2747, C replaced by A.
Protein change: p.Thr916Lys; replaces threonine 916 with lysine.
Molecular consequence: missense variant.
Genome position (GRCh38, 1-based): chr21:46,366,721, C>A. VCF-style: chr21-46366721-C-A. GRCh37 (hg19) VCF-style: chr21-47786636-C-A.
Other names: c.2393C>A, p.Thr798Lys (NM_001315529.2); short protein forms T798K, T916K.
Identifiers: ClinVar variation 3347512 (VCV003347512.1).

ClinVar aggregate classification (germline): Uncertain significance (0 of 4 stars; one submission).

Conditions:
PCNT-related disorder. Also called: PCNT-related condition.

Submission:

PreventionGenetics, part of Exact Sciences
Classification: Uncertain significance for PCNT-related condition. Last evaluated: 2024-04-18. Review status: no assertion criteria provided. Collection method: clinical testing. Allele origin: germline.
Comment: The PCNT c.2747C>A variant is predicted to result in the amino acid substitution p.Thr916Lys. To our knowledge, this variant has not been reported in the literature or in a large population database, indicating this variant is rare. At this time, the clinical significance of this variant is uncertain due to the absence of conclusive functional and genetic evidence.